The following is an entry in ClinVar:

ClinVar aggregate classification (germline): Conflicting classifications of pathogenicity. Review status: criteria provided, conflicting classifications (1 of 4 stars). 2 submissions from 2 submitters: Likely pathogenic (1); Uncertain significance (1). Last evaluated 2025-06-04.

Conditions:
Developmental and epileptic encephalopathy, 5 (DEE5). Identifiers: Orphanet 3451, MedGen C3150731, MONDO:0013277, OMIM 613477.

Submissions (2):

GeneDx
Classification: Uncertain significance. Last evaluated: 2025-06-04. Review status: criteria provided, single submitter. Criteria: GeneDx Variant Classification Process June 2021. Collection method: clinical testing. Allele origin: germline. Affected: yes.
Comment: Not observed at significant frequency in large population cohorts (gnomAD); In silico analysis supports that this missense variant has a deleterious effect on protein structure/function; Has not been previously published as pathogenic or benign to our knowledge

Department of Clinical Genetics, Copenhagen University Hospital, Rigshospitalet
Classification: Likely pathogenic for Developmental and epileptic encephalopathy, 5. Last evaluated: 2021-08-01. Review status: criteria provided, single submitter. Criteria: ACMG Guidelines, 2015. Collection method: clinical testing. Allele origin: de novo. Affected: yes.

NM_001130438.3(SPTAN1):c.5017A>G (p.Lys1673Glu)

Gene: SPTAN1 (spectrin alpha, non-erythrocytic 1; plus strand). Cytogenetic location: 9q34.11.
Variant type: single nucleotide variant.
Coding change: c.5017A>G on transcript NM_001130438.3 (MANE Select); coding-DNA position 5017, A replaced by G.
Protein change: p.Lys1673Glu; replaces lysine 1673 with glutamic acid.
Molecular consequence: missense variant.
Genome position (GRCh38, 1-based): chr9:128,612,220, A>G. VCF-style: chr9-128612220-A-G. GRCh37 (hg19) VCF-style: chr9-131374499-A-G.
Other names: c.4942A>G, p.Lys1648Glu (NM_001195532.2); c.5017A>G, p.Lys1673Glu (NM_001363759.2, NM_001375310.1, NM_001375311.2 and 1 more transcripts); c.4957A>G, p.Lys1653Glu (NM_001363765.2, NM_001375314.2); c.5053A>G, p.Lys1685Glu (NM_001375312.2, NM_001375318.1); c.5002A>G, p.Lys1668Glu (NM_003127.4); short protein forms K1648E, K1653E, K1668E, K1673E, K1685E.
Identifiers: ClinVar variation 1679267 (VCV001679267.4), dbSNP rs2131682815, ClinGen allele CA375071371.
Genomic context (GRCh38, chr9:128,612,220, plus strand): 5'-GCGGAAAAGAGCCAGAAACTGAAAGAAGCCAACAAGCAGCAGAACTTCAACACAGGGATC[A>G]AGGACTTTGACTTCTGGCTGTCTGAGGTAACACTGAGTGGTTCCTCTTCCTACCAGTGGG-3'
Protein context (NP_001123910.1, residues 1663-1683): NKQQNFNTGI[Lys1673Glu]DFDFWLSEVE